The following is an entry in ClinVar:

NM_016247.4(IMPG2):c.1635A>G (p.Ile545Met)

Gene: IMPG2 (interphotoreceptor matrix proteoglycan 2; minus strand). Cytogenetic location: 3q12.3.
Variant type: single nucleotide variant.
Coding change: c.1635A>G on transcript NM_016247.4 (MANE Select); coding-DNA position 1635, A replaced by G.
Protein change: p.Ile545Met; replaces isoleucine 545 with methionine.
Molecular consequence: missense variant.
Genome position (GRCh38, 1-based): chr3:101,244,696, T>C on the plus strand (A>G on the coding strand, the complement: IMPG2 is on the minus strand). VCF-style: chr3-101244696-T-C. GRCh37 (hg19) VCF-style: chr3-100963540-T-C.
Other names: c.1635A>G (NM_016247.3); short protein forms I545M.
Identifiers: ClinVar variation 1047394 (VCV001047394.8), dbSNP rs143241939, ClinGen allele CA2519118.

ClinVar aggregate classification (germline): Uncertain significance. Review status: criteria provided, multiple submitters, no conflicts (2 of 4 stars). 4 submissions from 4 submitters: Uncertain significance (4). Last evaluated 2025-09-30.

Conditions:
Inborn genetic diseases. Identifiers: MedGen C0950123, MeSH D030342.
IMPG2-related disorder. Also called: IMPG2-related condition.

Allele frequency attached by ClinVar (database versions not stated): gnomAD exomes 0.00001 and 0.00007; ExAC 0.00012; 1000 Genomes Project 30x 0.00016; 1000 Genomes Project 0.00020; TOPMed 0.00021; gnomAD 0.00022 and 0.00024; ESP Exome Variant Server 0.00038.
gnomAD v4.1: 57 of 1,614,110 alleles (0.0035%); highest among the groups gnomAD compares: African/African-American, 0.065%; no homozygotes.

Submissions (4):

PreventionGenetics, part of Exact Sciences
Classification: Uncertain significance for IMPG2-related condition. Last evaluated: 2025-09-30. Review status: criteria provided, single submitter. Criteria: ACMG Guidelines, 2015. Collection method: clinical testing. Allele origin: germline.
Comment: The IMPG2 c.1635A>G variant is predicted to result in the amino acid substitution p.Ile545Met. To our knowledge, this variant has not been reported in the literature. This variant is reported in 0.092% of alleles in individuals of African descent in gnomAD. Although we suspect this variant may be benign, at this time, the clinical significance of this variant is uncertain due to the absence of conclusive functional and genetic evidence.

Ambry Genetics
Classification: Uncertain significance for Inborn genetic diseases. Last evaluated: 2024-10-12. Review status: criteria provided, single submitter. Criteria: Ambry Variant Classification Scheme 2023. Collection method: clinical testing. Allele origin: germline.

Blueprint Genetics
Classification: Uncertain significance. Last evaluated: 2022-11-29. Review status: criteria provided, single submitter. Criteria: ACMG Guidelines, 2015. Collection method: clinical testing. Allele origin: germline.

Labcorp Genetics (formerly Invitae), Labcorp
Classification: Uncertain significance. Last evaluated: 2022-08-23. Review status: criteria provided, single submitter. Criteria: Invitae Variant Classification Sherloc (09022015). Collection method: clinical testing. Allele origin: germline.
Comment: This sequence change replaces isoleucine, which is neutral and non-polar, with methionine, which is neutral and non-polar, at codon 545 of the IMPG2 protein (p.Ile545Met). This variant is present in population databases (rs143241939, gnomAD 0.1%). This variant has not been reported in the literature in individuals affected with IMPG2-related conditions. ClinVar contains an entry for this variant (Variation ID: 1047394). Algorithms developed to predict the effect of missense changes on protein structure and function (SIFT, PolyPhen-2, Align-GVGD) all suggest that this variant is likely to be tolerated. In summary, the available evidence is currently insufficient to determine the role of this variant in disease. Therefore, it has been classified as a Variant of Uncertain Significance.